The following is an entry in ClinVar:

ClinVar aggregate classification (germline): Pathogenic (1 of 4 stars; one submission).

Submission:

Labcorp Genetics (formerly Invitae), Labcorp
Classification: Pathogenic. Last evaluated: 2025-08-21. Review status: criteria provided, single submitter. Criteria: Invitae Variant Classification Sherloc (09022015). Collection method: clinical testing. Allele origin: germline.
Comment: This sequence change replaces cysteine, which is neutral and slightly polar, with serine, which is neutral and polar, at codon 693 of the PHEX protein (p.Cys693Ser). This variant is not present in population databases (gnomAD no frequency). This missense change has been observed in individual(s) with hypophosphatemia (PMID: 30682568, 34806794; internal data). ClinVar contains an entry for this variant (Variation ID: 960813). Invitae Evidence Modeling of protein sequence and biophysical properties (such as structural, functional, and spatial information, amino acid conservation, physicochemical variation, residue mobility, and thermodynamic stability) indicates that this missense variant is expected to disrupt PHEX protein function with a positive predictive value of 95%. This variant disrupts the p.Cys693 amino acid residue in PHEX. Other variant(s) that disrupt this residue have been determined to be pathogenic (PMID: 23079138). This suggests that this residue is clinically significant, and that variants that disrupt this residue are likely to be disease-causing. For these reasons, this variant has been classified as Pathogenic.

Literature cited by the submitters: PubMed 30682568; PubMed 34806794; PubMed 23079138.

NM_000444.6(PHEX):c.2077T>A (p.Cys693Ser)

Genes: PHEX (phosphate regulating endopeptidase X-linked; plus strand), PTCHD1-AS (PTCHD1 and PHEX antisense RNA; minus strand). Cytogenetic location: Xp22.11.
Variant type: single nucleotide variant.
Coding change: c.2077T>A on transcript NM_000444.6 (MANE Select); coding-DNA position 2077, T replaced by A.
Protein change: p.Cys693Ser; replaces cysteine 693 with serine.
Molecular consequence: missense variant. On other transcripts: intron variant (1).
Genome position (GRCh38, 1-based): chrX:22,245,339, T>A. VCF-style: chrX-22245339-T-A. GRCh37 (hg19) VCF-style: chrX-22263456-T-A.
Other names: c.2071-2512T>A (NM_001282754.2); short protein forms C693S.
Identifiers: ClinVar variation 960813 (VCV000960813.9), dbSNP rs1064794999, ClinGen allele CA412575175.